The following is an entry in ClinVar:

ClinVar aggregate classification (germline): Uncertain significance (1 of 4 stars; one submission).

Submission:

Ambry Genetics
Classification: Uncertain significance. Last evaluated: 2025-11-25. Review status: criteria provided, single submitter. Criteria: Ambry Variant Classification Scheme 2023. Collection method: clinical testing. Allele origin: germline.
Comment: The p.L462F variant (also known as c.1386G>T), located in coding exon 14 of the KIF1B gene, results from a G to T substitution at nucleotide position 1386. The leucine at codon 462 is replaced by phenylalanine, an amino acid with highly similar properties. This amino acid position is conserved. In addition, the in silico prediction for this alteration is inconclusive. Based on the available evidence, the clinical significance of this variant remains unclear.

NM_001365951.3(KIF1B):c.1524G>T (p.Leu508Phe)

Gene: KIF1B (kinesin family member 1B; plus strand). Cytogenetic location: 1p36.22.
Variant type: single nucleotide variant.
Coding change: c.1524G>T on transcript NM_001365951.3 (MANE Select); coding-DNA position 1524, G replaced by T.
Protein change: p.Leu508Phe; replaces leucine 508 with phenylalanine.
Molecular consequence: missense variant.
Genome position (GRCh38, 1-based): chr1:10,292,056, G>T. VCF-style: chr1-10292056-G-T. GRCh37 (hg19) VCF-style: chr1-10352114-G-T.
Other names: c.1524G>T, p.Leu508Phe (NM_001365952.1); c.1386G>T, p.Leu462Phe (NM_001365953.1, NM_015074.3, NM_183416.4); short protein forms L508F, L462F.
Identifiers: ClinVar variation 4543682 (VCV004543682.1).